The following is an entry in ClinVar:

NM_005630.3(SLCO2A1):c.1745G>A (p.Arg582Gln)

Gene: SLCO2A1 (solute carrier organic anion transporter family member 2A1; minus strand). Cytogenetic location: 3q22.1.
Variant type: single nucleotide variant.
Coding change: c.1745G>A on transcript NM_005630.3 (MANE Select); coding-DNA position 1745, G replaced by A.
Protein change: p.Arg582Gln; replaces arginine 582 with glutamine.
Molecular consequence: missense variant.
Genome position (GRCh38, 1-based): chr3:133,935,843, C>T on the plus strand (G>A on the coding strand, the complement: SLCO2A1 is on the minus strand). VCF-style: chr3-133935843-C-T. GRCh37 (hg19) VCF-style: chr3-133654687-C-T.
Other names: c.1745G>A (NM_005630.2); short protein forms R582Q.
Identifiers: ClinVar variation 2041965 (VCV002041965.20), dbSNP rs144464929, ClinGen allele CA2626330.

ClinVar aggregate classification (germline): Likely benign. Review status: criteria provided, multiple submitters, no conflicts (2 of 4 stars). 3 submissions from 3 submitters: Likely benign (3). Last evaluated 2026-01-04.

Conditions:
SLCO2A1-related disorder. Also called: SLCO2A1-related condition.

Allele frequency attached by ClinVar (database versions not stated): 1000 Genomes Project 0.00060; 1000 Genomes Project 30x 0.00062; ExAC 0.00064; ESP Exome Variant Server 0.00123.
gnomAD v4.1: 1,376 of 1,611,628 alleles (0.085%); highest among the groups gnomAD compares: Admixed American, 0.13%; 2 homozygotes.

Submissions (3):

Labcorp Genetics (formerly Invitae), Labcorp
Classification: Likely benign. Last evaluated: 2026-01-04. Review status: criteria provided, single submitter. Criteria: Invitae Variant Classification Sherloc (09022015). Collection method: clinical testing. Allele origin: germline.

PreventionGenetics, part of Exact Sciences
Classification: Likely benign for SLCO2A1-related condition. Last evaluated: 2025-04-09. Review status: criteria provided, single submitter. Criteria: ACMG Guidelines, 2015. Collection method: clinical testing. Allele origin: germline.
Comment: This variant is classified as likely benign based on ACMG/AMP sequence variant interpretation guidelines (Richards et al. 2015 PMID: 25741868, with internal and published modifications).

CeGaT Center for Human Genetics Tuebingen
Classification: Likely benign. Last evaluated: 2024-08-01. Review status: criteria provided, single submitter. Criteria: CeGaT Center For Human Genetics Tuebingen Variant Classification Criteria Version 2. Collection method: clinical testing. Allele origin: germline. Affected: yes. Observed: 1 variant allele.
Comment: SLCO2A1: BP4